The following is an entry in ClinVar:

NM_007294.4(BRCA1):c.208_212+22del

Gene: BRCA1 (BRCA1 DNA repair associated; minus strand). Cytogenetic location: 17q21.31.
Variant type: Deletion.
Coding change: c.208_212+22del on transcript NM_007294.4 (MANE Select); coding-DNA position 208 through 22 bases into the intron after coding-DNA position 212, 27 bases deleted (AAAAGGTATATAATTTGGTAATGATGC).
Molecular consequence: splice donor variant. On other transcripts: intron variant (95).
Genome position (GRCh38, 1-based): chr17:43,106,434-43,106,460, GCATCATTACCAAATTATATACCTTTT deleted on the plus strand (AAAAGGTATATAATTTGGTAATGATGC on the coding strand, the reverse complement: BRCA1 is on the minus strand); deleting any 27 consecutive bases within chr17:43,106,434-43,106,461 gives the same sequence; the c. name uses the placement nearest the transcript's 3' end. VCF-style (leftmost placement, unchanged base first): chr17-43106433-AGCATCATTACCAAATTATATACCTTTT-A. GRCh37 (hg19) VCF-style: chr17-41258450-AGCATCATTACCAAATTATATACCTTTT-A.
Other names: c.208_212+22del27 (NM_007294.3); c.67_71+22del (NM_001408458.1, NM_001407931.1, NM_001407747.1 and 99 more transcripts); c.-218-11600_-218-11574del (NM_001407967.1, NM_001407966.1); c.-169-1504_-169-1478del (NM_001407959.1, NM_001407962.1, NM_001408512.1 and 4 more transcripts); c.2+18_2+44del (NM_001407885.1, NM_001407886.1, NM_001407898.1 and 58 more transcripts); c.208_212+22del (NM_001407686.1, NM_001408397.1, NM_001407632.1 and 167 more transcripts); c.81-1504_81-1478del (NM_001408451.1); c.135-1504_135-1478del (NM_001408475.1, NM_001407875.1, NM_001407659.1 and 21 more transcripts).
Identifiers: ClinVar variation 431197 (VCV000431197.4), dbSNP rs1555597152, ClinGen allele CA645373211.

ClinVar aggregate classification (germline): Likely pathogenic. Review status: criteria provided, single submitter (1 of 4 stars). 2 submissions from 2 submitters: Likely pathogenic (1). 1 of the submissions does not count toward it. Last evaluated 2019-06-27.

Conditions:
Hereditary cancer-predisposing syndrome. Also called: Hereditary Cancer Syndrome; Hereditary neoplastic syndrome; Neoplastic Syndromes, Hereditary; Tumor predisposition. Identifiers: Orphanet 140162, MedGen C0027672, MeSH D009386, MONDO:0015356.

Submissions (2):

Ambry Genetics
Classification: Likely pathogenic for Hereditary cancer-predisposing syndrome. Last evaluated: 2019-06-27. Review status: criteria provided, single submitter. Criteria: Ambry Variant Classification Scheme 2023. Collection method: clinical testing. Allele origin: germline.
Comment: The c.208_212+22del27 variant spans the exon/intron boundary of coding exon 3 in the BRCA1 gene. This variant results from a deletion of 27 nucleotides at positions c.208 to c.212+22. The deleted region includes the canonical donor site, which is highly conserved in available vertebrate species. Using the BDGP and ESEfinder splice site prediction tools, this alteration is predicted to abolish the native donor splice site; however, direct evidence is unavailable. Alterations that disrupt the canonical splice site are expected to cause aberrant splicing, resulting in an abnormal protein or a transcript that is subject to nonsense-mediated mRNA decay. As such, this alteration is classified as likely pathogenic.

Research Molecular Genetics Laboratory, Women's College Hospital, University of Toronto
Classification: Uncertain significance. Last evaluated: 2014-01-31. Review status: no assertion criteria provided. Collection method: research. Allele origin: germline. Affected: yes. Study: The Canadian Open Genetics Repository (COGR). Not counted in ClinVar's aggregate classification.

Literature cited by the submitters: PubMed 23697973 (cited by Ambry Genetics).